The following is an entry in ClinVar:

NM_001379110.1(SLC9A6):c.1037C>T (p.Thr346Met)

Gene: SLC9A6 (solute carrier family 9 member A6; plus strand). Cytogenetic location: Xq26.3.
Variant type: single nucleotide variant.
Coding change: c.1037C>T on transcript NM_001379110.1 (MANE Select); coding-DNA position 1037, C replaced by T.
Protein change: p.Thr346Met; replaces threonine 346 with methionine.
Molecular consequence: missense variant.
Genome position (GRCh38, 1-based): chrX:136,013,394, C>T. VCF-style: chrX-136013394-C-T. GRCh37 (hg19) VCF-style: chrX-135095553-C-T.
Other names: c.1193C>T, p.Thr398Met (NM_001042537.2); c.1037C>T, p.Thr346Met (NM_001177651.2); c.941C>T, p.Thr314Met (NM_001330652.2); c.1097C>T, p.Thr366Met (NM_006359.3); short protein forms T314M, T346M, T366M, T398M.
Identifiers: ClinVar variation 1397611 (VCV001397611.8), dbSNP rs2148174486, ClinGen allele CA414752026.

ClinVar aggregate classification (germline): Uncertain significance (1 of 4 stars; one submission).

Conditions:
Christianson syndrome (MRXSCH). Also called: X-linked mental retardation, syndromic, Christianson type; INTELLECTUAL DEVELOPMENTAL DISORDER, X-LINKED, SYNDROMIC, CHRISTIANSON TYPE; SLC9A6-Related Syndromic Mental Retardation. Identifiers: Orphanet 85278, MedGen C2678194, MONDO:0010278, OMIM 300243.

Submission:

Labcorp Genetics (formerly Invitae), Labcorp
Classification: Uncertain significance for Christianson syndrome. Last evaluated: 2022-02-05. Review status: criteria provided, single submitter. Criteria: Invitae Variant Classification Sherloc (09022015). Collection method: clinical testing. Allele origin: germline.
Comment: In summary, the available evidence is currently insufficient to determine the role of this variant in disease. Therefore, it has been classified as a Variant of Uncertain Significance. Algorithms developed to predict the effect of missense changes on protein structure and function are either unavailable or do not agree on the potential impact of this missense change (SIFT: "Deleterious"; PolyPhen-2: "Probably Damaging"; Align-GVGD: "Class C0"). This variant has not been reported in the literature in individuals affected with SLC9A6-related conditions. This variant is not present in population databases (gnomAD no frequency). This sequence change replaces threonine, which is neutral and polar, with methionine, which is neutral and non-polar, at codon 366 of the SLC9A6 protein (p.Thr366Met).